The following is an entry in ClinVar:

ClinVar aggregate classification (germline): Conflicting classifications of pathogenicity. Review status: criteria provided, conflicting classifications (1 of 4 stars). 6 submissions from 6 submitters: Uncertain significance (1); Likely benign (4). 1 of the submissions does not count toward it. Last evaluated 2026-06-01.

Conditions:
Oto-palato-digital syndrome, type II (OPD2). Also called: FACIOPALATOOSSEOUS SYNDROME; OPD II SYNDROME; Otopalatodigital Syndrome Type 2 (FLNA-OPD2); Otopalatodigital Syndrome, Type II. Identifiers: Orphanet 669, Orphanet 90652, MedGen C1844696, MONDO:0010571, OMIM 304120.
Melnick-Needles syndrome (MNS). Also called: OSTEODYSPLASTY OF MELNICK AND NEEDLES; Melnick-Needles Syndrome (FLNA-MNS); MELNICK-NEEDLES OSTEODYSPLASTY. Identifiers: Orphanet 2484, MedGen C0025237, MONDO:0010650, OMIM 309350.
Frontometaphyseal dysplasia (FMD1). Identifiers: Orphanet 1826, MedGen C0265293, MONDO:0015942.
Heterotopia, periventricular, X-linked dominant (PVNH1). Also called: PERIVENTRICULAR NODULAR HETEROTOPIA 4; HETEROTOPIA, PERIVENTRICULAR, 1; PERIVENTRICULAR NODULAR HETEROTOPIA 1; X-linked periventricular heterotopia. Identifiers: Orphanet 2149, Orphanet 82004, MedGen C1848213, MONDO:0010233, OMIM 300049.
FLNA-related disorder.
Familial thoracic aortic aneurysm and aortic dissection (TAAD). Also called: Thoracic aortic aneurysms and dissections. Identifiers: Orphanet 91387, MedGen C4707243, MONDO:0019625.

Allele frequency attached by ClinVar (database versions not stated): gnomAD exomes 0.00002 and 0.00006; TOPMed 0.00005; ExAC 0.00006.
gnomAD v4.1: 26 of 1,211,661 alleles (0.0021%); highest among the groups gnomAD compares: Admixed American, 0.02%; no homozygotes.

Submissions (6):

CeGaT Center for Human Genetics Tuebingen
Classification: Likely benign. Last evaluated: 2026-06-01. Review status: criteria provided, single submitter. Criteria: CeGaT Center For Human Genetics Tuebingen Variant Classification Criteria Version 2. Collection method: clinical testing. Allele origin: germline. Affected: yes. Observed: 2 variant alleles.
Comment: FLNA: BP4, BP7

Labcorp Genetics (formerly Invitae), Labcorp
Classification: Likely benign for Oto-palato-digital syndrome, type II; Heterotopia, periventricular, X-linked dominant; Frontometaphyseal dysplasia; Melnick-Needles syndrome. Last evaluated: 2025-10-23. Review status: criteria provided, single submitter. Criteria: Invitae Variant Classification Sherloc (09022015). Collection method: clinical testing. Allele origin: germline.

Ambry Genetics
Classification: Likely benign for Familial thoracic aortic aneurysm and aortic dissection. Last evaluated: 2025-03-27. Review status: criteria provided, single submitter. Criteria: Ambry Variant Classification Scheme 2023. Collection method: clinical testing. Allele origin: germline.

Blueprint Genetics
Classification: Likely benign. Last evaluated: 2023-09-19. Review status: criteria provided, single submitter. Criteria: ACMG Guidelines, 2015. Collection method: clinical testing. Allele origin: germline.

Eurofins Ntd Llc (ga)
Classification: Uncertain significance. Last evaluated: 2015-07-08. Review status: criteria provided, single submitter. Criteria: EGL Classification Definitions 2015. Collection method: clinical testing. Allele origin: germline. Observed: 1 variant allele, 1 heterozygote.

PreventionGenetics, part of Exact Sciences
Classification: Likely benign for FLNA-related condition. Last evaluated: 2023-01-05. Review status: no assertion criteria provided. Collection method: clinical testing. Allele origin: germline. Not counted in ClinVar's aggregate classification.
Comment: This variant is classified as likely benign based on ACMG/AMP sequence variant interpretation guidelines (Richards et al. 2015 PMID: 25741868, with internal and published modifications).

NM_001110556.2(FLNA):c.5448G>A (p.Ala1816=)

Gene: FLNA (filamin A; minus strand). Cytogenetic location: Xq28.
Variant type: single nucleotide variant.
Coding change: c.5448G>A on transcript NM_001110556.2 (MANE Select); coding-DNA position 5448, G replaced by A.
Protein change: p.Ala1816=; no amino-acid change (alanine 1816 retained).
Molecular consequence: synonymous variant.
Genome position (GRCh38, 1-based): chrX:154,354,260, C>T on the plus strand (G>A on the coding strand, the complement: FLNA is on the minus strand). VCF-style: chrX-154354260-C-T. GRCh37 (hg19) VCF-style: chrX-153582628-C-T.
Other names: c.5448G>A (NM_001110556.1); c.5424G>A, p.Ala1808= (NM_001456.4).
Identifiers: ClinVar variation 281758 (VCV000281758.21), dbSNP rs782806731, ClinGen allele CA10560311.